The following is an entry in ClinVar:

NM_000059.4(BRCA2):c.2545G>T (p.Val849Leu)

Gene: BRCA2 (BRCA2 DNA repair associated; plus strand). Cytogenetic location: 13q13.1.
Variant type: single nucleotide variant.
Coding change: c.2545G>T on transcript NM_000059.4 (MANE Select); coding-DNA position 2545, G replaced by T.
Protein change: p.Val849Leu; replaces valine 849 with leucine.
Molecular consequence: missense variant.
Genome position (GRCh38, 1-based): chr13:32,336,900, G>T. VCF-style: chr13-32336900-G-T. GRCh37 (hg19) VCF-style: chr13-32911037-G-T.
Other names: short protein forms V849L.
Identifiers: ClinVar variation 185347 (VCV000185347.9), dbSNP rs786202105, ClinGen allele CA015610.

ClinVar aggregate classification (germline): Conflicting classifications of pathogenicity. Review status: criteria provided, conflicting classifications (1 of 4 stars). 3 submissions from 3 submitters: Uncertain significance (2); Likely benign (1). Last evaluated 2025-01-19.

Conditions:
Hereditary cancer-predisposing syndrome. Also called: Hereditary neoplastic syndrome; Neoplastic Syndromes, Hereditary; Tumor predisposition; Hereditary Cancer Syndrome. Identifiers: Orphanet 140162, MedGen C0027672, MeSH D009386, MONDO:0015356.

Allele frequency attached by ClinVar (database versions not stated): gnomAD exomes below 0.00001; TOPMed below 0.00001.
gnomAD v4.1: 1 of 1,608,558 alleles (0.000062%); highest among the groups gnomAD compares: African/African-American, 0.0013%; no homozygotes.

Submissions (3):

Ambry Genetics
Classification: Uncertain significance for Hereditary cancer-predisposing syndrome. Last evaluated: 2025-01-19. Review status: criteria provided, single submitter. Criteria: Ambry Variant Classification Scheme 2023. Collection method: clinical testing. Allele origin: germline.
Comment: The p.V849L variant (also known as c.2545G>T), located in coding exon 10 of the BRCA2 gene, results from a G to T substitution at nucleotide position 2545. The valine at codon 849 is replaced by leucine, an amino acid with highly similar properties. This amino acid position is poorly conserved in available vertebrate species. In addition, this alteration is predicted to be tolerated by in silico analysis. Since supporting evidence is limited at this time, the clinical significance of this alteration remains unclear.

University of Washington Department of Laboratory Medicine, University of Washington
Classification: Likely benign for Hereditary cancer-predisposing syndrome. Last evaluated: 2023-03-23. Review status: criteria provided, single submitter. Criteria: Dines et al. (Genet Med. 2020). Collection method: curation. Allele origin: germline.
Comment: Missense variant in a coldspot region where missense variants are very unlikely to be pathogenic (PMID:31911673).

BRCA2 exon 11 coldspot. Reclassification based on statistical prior probability.

Women's Health and Genetics/Laboratory Corporation of America, LabCorp
Classification: Uncertain significance. Last evaluated: 2022-01-10. Review status: criteria provided, single submitter. Criteria: LabCorp Variant Classification Summary - May 2015. Collection method: clinical testing. Allele origin: germline.